The following is an entry in ClinVar:

ClinVar aggregate classification (germline): Uncertain significance. Review status: criteria provided, multiple submitters, no conflicts (2 of 4 stars). 5 submissions from 5 submitters: Uncertain significance (5). Last evaluated 2023-09-17.

Conditions:
Wilson disease (WND). Also called: Wilson's disease. Identifiers: Orphanet 905, MedGen C0019202, MONDO:0010200, OMIM 277900. Disease mechanism: loss of function.

Allele frequency attached by ClinVar (database versions not stated): gnomAD 0.00001 and 0.00003; gnomAD exomes 0.00002; TOPMed 0.00005.
gnomAD v4.1: 35 of 1,613,960 alleles (0.0022%); highest among the groups gnomAD compares: Non-Finnish European, 0.0027%; no homozygotes.

Submissions (5):

All of Us Research Program, National Institutes of Health
Classification: Uncertain significance for Wilson disease. Last evaluated: 2023-09-17. Review status: criteria provided, single submitter. Criteria: ACMG Guidelines, 2015. Collection method: clinical testing. Allele origin: germline. Inheritance: Autosomal recessive inheritance. Observed: 5 variant alleles, 5 heterozygotes.
Comment: This missense variant replaces valine with isoleucine at codon 1298 of the ATP7B protein. Computational prediction suggests that this variant may have deleterious impact on protein structure and function (internally defined REVEL score threshold >= 0.7, PMID: 27666373). To our knowledge, functional studies have not been reported for this variant. This variant has been reported in individuals affected with Wilson disease (PMID: 23518715; DOI:10.1016/j.mgene.2017.06.005). This variant has been identified in 6/249428 chromosomes in the general population by the Genome Aggregation Database (gnomAD). The available evidence is insufficient to determine the role of this variant in disease conclusively. Therefore, this variant is classified as a Variant of Uncertain Significance.

This study involves interpretation of variants in research participants for the purpose of population health screening. Participant phenotype was not available at the time of variant classification. Additional details can be found in publication PMID: 35346344, PMCID: PMC8962531

Color Diagnostics, LLC DBA Color Health
Classification: Uncertain significance for Wilson disease. Last evaluated: 2022-09-14. Review status: criteria provided, single submitter. Criteria: ACMG Guidelines, 2015. Collection method: clinical testing. Allele origin: germline.
Comment: This missense variant replaces valine with isoleucine at codon 1298 of the ATP7B protein. Computational prediction suggests that this variant may have deleterious impact on protein structure and function. To our knowledge, functional studies have not been reported for this variant. This variant has been reported in individuals affected with Wilson disease (PMID: 23518715DOI:10.1016/j.mgene.2017.06.005). This variant has been identified in 6/249428 chromosomes in the general population by the Genome Aggregation Database (gnomAD). The available evidence is insufficient to determine the role of this variant in disease conclusively. Therefore, this variant is classified as a Variant of Uncertain Significance.

Fulgent Genetics
Classification: Uncertain significance for Wilson disease. Last evaluated: 2021-10-21. Review status: criteria provided, single submitter. Criteria: ACMG Guidelines, 2015. Collection method: clinical testing. Allele origin: unknown.

Labcorp Genetics (formerly Invitae), Labcorp
Classification: Uncertain significance for Wilson disease. Last evaluated: 2021-09-17. Review status: criteria provided, single submitter. Criteria: Invitae Variant Classification Sherloc (09022015). Collection method: clinical testing. Allele origin: germline.
Comment: This sequence change replaces valine with isoleucine at codon 1298 of the ATP7B protein (p.Val1298Ile). The valine residue is highly conserved and there is a small physicochemical difference between valine and isoleucine. This variant is not present in population databases (ExAC no frequency). This variant has not been reported in the literature in individuals affected with ATP7B-related conditions. Algorithms developed to predict the effect of missense changes on protein structure and function are either unavailable or do not agree on the potential impact of this missense change (SIFT: "Deleterious"; PolyPhen-2: "Probably Damaging"; Align-GVGD: "Class C0"). In summary, the available evidence is currently insufficient to determine the role of this variant in disease. Therefore, it has been classified as a Variant of Uncertain Significance.

Illumina Laboratory Services, Illumina
Classification: Uncertain significance for Wilson disease. Last evaluated: 2017-04-27. Review status: criteria provided, single submitter. Criteria: ICSL Variant Classification Criteria 13 December 2019. Collection method: clinical testing. Allele origin: germline.

Literature cited by the submitters: PubMed 23518715 (cited by All of Us Research Program, National Institutes of Health and Color Diagnostics, LLC DBA Color Health).

NM_000053.4(ATP7B):c.3892G>A (p.Val1298Ile)

Gene: ATP7B (ATPase copper transporting beta; minus strand). Cytogenetic location: 13q14.3.
Variant type: single nucleotide variant.
Coding change: c.3892G>A on transcript NM_000053.4 (MANE Select); coding-DNA position 3892, G replaced by A.
Protein change: p.Val1298Ile; replaces valine 1298 with isoleucine.
Molecular consequence: missense variant.
Genome position (GRCh38, 1-based): chr13:51,937,487, C>T on the plus strand (G>A on the coding strand, the complement: ATP7B is on the minus strand). VCF-style: chr13-51937487-C-T. GRCh37 (hg19) VCF-style: chr13-52511623-C-T.
Other names: c.3271G>A, p.Val1091Ile (NM_001005918.3); c.3559G>A, p.Val1187Ile (NM_001243182.2); c.3658G>A, p.Val1220Ile (NM_001330578.2); c.3640G>A, p.Val1214Ile (NM_001330579.2); short protein forms V1220I, V1187I, V1091I, V1214I, V1298I.
Identifiers: ClinVar variation 881760 (VCV000881760.8), dbSNP rs753044473, ClinGen allele CA250073505.